The following is an entry in ClinVar:

ClinVar aggregate classification (germline): Conflicting classifications of pathogenicity. Review status: criteria provided, conflicting classifications (1 of 4 stars). 6 submissions from 6 submitters: Uncertain significance (1); Likely benign (4). 1 of the submissions does not count toward it. Last evaluated 2025-11-17.

Conditions:
GRIN2A-related complex neurodevelopmental disorder. Also called: GRIN2A-related disorder; GRIN2A-related condition. Identifiers: MedGen CN379781, MONDO:1060139.
Inborn genetic diseases. Identifiers: MedGen C0950123, MeSH D030342.
Landau-Kleffner syndrome (FESD). Also called: EPILEPSY, FOCAL, WITH SPEECH DISORDER AND WITH OR WITHOUT MENTAL RETARDATION; APHASIA, ACQUIRED, WITH EPILEPSY. Identifiers: Orphanet 1945, Orphanet 725, Orphanet 98818, MedGen C0282512, MONDO:0009509, OMIM 245570.

Allele frequency attached by ClinVar (database versions not stated): gnomAD 0.00036 and 0.00039; 1000 Genomes Project 0.00040; ExAC 0.00006; 1000 Genomes Project 30x 0.00047; gnomAD exomes 0.00002 and 0.00005; ESP Exome Variant Server 0.00023; TOPMed 0.00034.
gnomAD v4.1: 89 of 1,614,028 alleles (0.0055%); highest among the groups gnomAD compares: African/African-American, 0.11%; no homozygotes.

Submissions (6):

Labcorp Genetics (formerly Invitae), Labcorp
Classification: Likely benign for Landau-Kleffner syndrome. Last evaluated: 2025-11-17. Review status: criteria provided, single submitter. Criteria: Invitae Variant Classification Sherloc (09022015). Collection method: clinical testing. Allele origin: germline.

Blueprint Genetics
Classification: Likely benign. Last evaluated: 2023-02-09. Review status: criteria provided, single submitter. Criteria: ACMG Guidelines, 2015. Collection method: clinical testing. Allele origin: germline.

GeneDx
Classification: Likely benign. Last evaluated: 2020-02-04. Review status: criteria provided, single submitter. Criteria: GeneDx Variant Classification Process June 2021. Collection method: clinical testing. Allele origin: germline. Affected: yes.

Ambry Genetics
Classification: Likely benign for Inborn genetic diseases. Last evaluated: 2016-07-12. Review status: criteria provided, single submitter. Criteria: Ambry Variant Classification Scheme 2023. Collection method: clinical testing. Allele origin: germline.

Eurofins Ntd Llc (ga)
Classification: Uncertain significance. Last evaluated: 2015-11-20. Review status: criteria provided, single submitter. Criteria: EGL Classification Definitions 2015. Collection method: clinical testing. Allele origin: germline. Observed: 1 variant allele, 1 heterozygote.

PreventionGenetics, part of Exact Sciences
Classification: Likely benign for GRIN2A-related condition. Last evaluated: 2019-06-18. Review status: no assertion criteria provided. Collection method: clinical testing. Allele origin: germline. Not counted in ClinVar's aggregate classification.
Comment: This variant is classified as likely benign based on ACMG/AMP sequence variant interpretation guidelines (Richards et al. 2015 PMID: 25741868, with internal and published modifications).

NM_001134407.3(GRIN2A):c.741C>T (p.Gly247=)

Gene: GRIN2A (glutamate ionotropic receptor NMDA type subunit 2A; minus strand). Cytogenetic location: 16p13.2.
Variant type: single nucleotide variant.
Coding change: c.741C>T on transcript NM_001134407.3 (MANE Select); coding-DNA position 741, C replaced by T.
Protein change: p.Gly247=; no amino-acid change (glycine 247 retained).
Molecular consequence: synonymous variant.
Genome position (GRCh38, 1-based): chr16:9,938,225, G>A on the plus strand (C>T on the coding strand, the complement: GRIN2A is on the minus strand). VCF-style: chr16-9938225-G-A. GRCh37 (hg19) VCF-style: chr16-10032082-G-A.
Other names: c.741C>T, p.Gly247= (NM_000833.5, NM_001134408.2).
Identifiers: ClinVar variation 284696 (VCV000284696.25), dbSNP rs141912603, ClinGen allele CA7896906.